The following is an entry in ClinVar:

ClinVar aggregate classification (germline): Uncertain significance. Review status: criteria provided, multiple submitters, no conflicts (2 of 4 stars). 4 submissions from 4 submitters: Uncertain significance (4). Last evaluated 2025-06-02.

Conditions:
Hirschsprung disease, susceptibility to, 1 (HSCR1). Also called: RET-Related Hirschsprung Disease. Identifiers: Orphanet 388, MedGen C3888239, MONDO:0007723, OMIM 142623.
Multiple endocrine neoplasia type 2B. Also called: MEN 2B; MUCOSAL NEUROMA SYNDROME; Multiple endocrine neoplasia, type 3; MULTIPLE ENDOCRINE NEOPLASIA, TYPE IIB; Multiple Endocrine Neoplasia Type 2B (MEN2B); MEN IIB. Identifiers: Orphanet 247709, Orphanet 653, MedGen C0025269, MeSH D018814, MONDO:0008082, OMIM 162300.
Pheochromocytoma. Also called: MAX-Related Hereditary Paraganglioma-Pheochromocytoma Syndrome. Identifiers: Orphanet 29072, MedGen C0031511, MONDO:0008233, OMIM 171300, HP:0002666.
Familial medullary thyroid carcinoma (MTC). Also called: Thyroid cancer, familial medullary; MTC, familial; Familial Medullary Thyroid Carcinoma (FMTC). Identifiers: Orphanet 653, Orphanet 99361, MedGen C1833921, MONDO:0007958, OMIM 155240.
Multiple endocrine neoplasia type 2A. Also called: MULTIPLE ENDOCRINE NEOPLASIA, TYPE IIA; PTC SYNDROME; SIPPLE SYNDROME; MEN 2A; MEN-2A syndrome; Pheochromocytoma and amyloid producing medullary thyroid carcinoma. Identifiers: Orphanet 247698, Orphanet 653, MedGen C0025268, MeSH D018813, MONDO:0008234, OMIM 171400.
Hereditary cancer-predisposing syndrome. Also called: Neoplastic Syndromes, Hereditary; Hereditary Cancer Syndrome; Tumor predisposition; Hereditary neoplastic syndrome. Identifiers: Orphanet 140162, MedGen C0027672, MeSH D009386, MONDO:0015356.
Multiple endocrine neoplasia, type 2 (MEN2). Identifiers: Orphanet 653, MedGen C4048306, MONDO:0019003. Disease mechanism: gain of function.

Allele frequency attached by ClinVar (database versions not stated): gnomAD exomes 0.00001 and 0.00002; gnomAD 0.00002; TOPMed 0.00002; ExAC 0.00006.
gnomAD v4.1: 14 of 1,609,122 alleles (0.00087%); highest among the groups gnomAD compares: African/African-American, 0.0013%; no homozygotes.

Submissions (4):

Color Diagnostics, LLC DBA Color Health
Classification: Uncertain significance for Multiple endocrine neoplasia, type 2. Last evaluated: 2025-06-02. Review status: criteria provided, single submitter. Criteria: ACMG Guidelines, 2015. Collection method: clinical testing. Allele origin: germline.
Comment: This missense variant replaces lysine with threonine at codon 808 of the RET protein. Computational prediction suggests that this variant may have deleterious impact on protein structure and function. To our knowledge, functional studies have not been reported for this variant. This variant has not been reported in individuals affected with RET-related disorders in the literature. This variant has been identified in 5/239404 chromosomes in the general population by the Genome Aggregation Database (gnomAD). The available evidence is insufficient to determine the role of this variant in disease conclusively. Therefore, this variant is classified as a Variant of Uncertain Significance.

Labcorp Genetics (formerly Invitae), Labcorp
Classification: Uncertain significance for Multiple endocrine neoplasia, type 2. Last evaluated: 2025-05-17. Review status: criteria provided, single submitter. Criteria: Invitae Variant Classification Sherloc (09022015). Collection method: clinical testing. Allele origin: germline.
Comment: This sequence change replaces lysine, which is basic and polar, with threonine, which is neutral and polar, at codon 808 of the RET protein (p.Lys808Thr). This variant is present in population databases (rs767945255, gnomAD 0.007%). This variant has not been reported in the literature in individuals affected with RET-related conditions. ClinVar contains an entry for this variant (Variation ID: 659223). An algorithm developed to predict the effect of missense changes on protein structure and function (PolyPhen-2) suggests that this variant is likely to be disruptive. In summary, the available evidence is currently insufficient to determine the role of this variant in disease. Therefore, it has been classified as a Variant of Uncertain Significance.

Ambry Genetics
Classification: Uncertain significance for Hereditary cancer-predisposing syndrome. Last evaluated: 2024-12-23. Review status: criteria provided, single submitter. Criteria: Ambry Variant Classification Scheme 2023. Collection method: clinical testing. Allele origin: germline.
Comment: The p.K808T variant (also known as c.2423A>C), located in coding exon 14 of the RET gene, results from an A to C substitution at nucleotide position 2423. The lysine at codon 808 is replaced by threonine, an amino acid with similar properties. This amino acid position is highly conserved in available vertebrate species. In addition, this alteration is predicted to be deleterious by in silico analysis. Since supporting evidence is limited at this time, the clinical significance of this alteration remains unclear.

Fulgent Genetics
Classification: Uncertain significance for Hirschsprung disease, susceptibility to, 1; Familial medullary thyroid carcinoma; Multiple endocrine neoplasia type 2B; Pheochromocytoma; Multiple endocrine neoplasia type 2A. Last evaluated: 2024-02-16. Review status: criteria provided, single submitter. Criteria: ACMG Guidelines, 2015. Collection method: clinical testing. Allele origin: germline.

NM_020975.6(RET):c.2423A>C (p.Lys808Thr)

Gene: RET (ret proto-oncogene; plus strand). Cytogenetic location: 10q11.21.
Variant type: single nucleotide variant.
Coding change: c.2423A>C on transcript NM_020975.6 (MANE Select); coding-DNA position 2423, A replaced by C.
Protein change: p.Lys808Thr; replaces lysine 808 with threonine.
Molecular consequence: missense variant.
Genome position (GRCh38, 1-based): chr10:43,119,561, A>C. VCF-style: chr10-43119561-A-C. GRCh37 (hg19) VCF-style: chr10-43615009-A-C.
Other names: c.2423A>C, p.Lys808Thr (NM_000323.2, NM_001406743.1, NM_001406744.1 and 4 more transcripts); c.1661A>C, p.Lys554Thr (NM_001355216.2); c.2294A>C, p.Lys765Thr (NM_001406761.1, NM_001406762.1, NM_001406764.1); c.2288A>C, p.Lys763Thr (NM_001406763.1, NM_001406765.1); c.2135A>C, p.Lys712Thr (NM_001406766.1, NM_001406767.1, NM_001406770.1); c.2159A>C, p.Lys720Thr (NM_001406768.1); c.2027A>C, p.Lys676Thr (NM_001406769.1, NM_001406772.1); c.1985A>C, p.Lys662Thr (NM_001406771.1, NM_001406773.1); and 10 more; short protein forms K808T, K554T, K373T, K464T, K712T, K469T, K478T, K325T.
Identifiers: ClinVar variation 659223 (VCV000659223.13), dbSNP rs767945255, ClinGen allele CA039164.